The following is an entry in ClinVar:

NM_001195263.2(PDZD7):c.1255G>T (p.Ala419Ser)

Gene: PDZD7 (PDZ domain containing 7; minus strand). Cytogenetic location: 10q24.31.
Variant type: single nucleotide variant.
Coding change: c.1255G>T on transcript NM_001195263.2 (MANE Select); coding-DNA position 1255, G replaced by T.
Protein change: p.Ala419Ser; replaces alanine 419 with serine.
Molecular consequence: missense variant.
Genome position (GRCh38, 1-based): chr10:101,018,891, C>A on the plus strand (G>T on the coding strand, the complement: PDZD7 is on the minus strand). VCF-style: chr10-101018891-C-A. GRCh37 (hg19) VCF-style: chr10-102778648-C-A.
Other names: c.1255G>T, p.Ala419Ser (NM_001351044.2, NM_024895.5); short protein forms A419S.
Identifiers: ClinVar variation 1058885 (VCV001058885.9), dbSNP rs1253428959, ClinGen allele CA378228441.
Genomic context (GRCh38, chr10:101,018,891, plus strand): 5'-TCAGATAGCTCTGGGAGCGCGTGATGGGGGGCCGGGGTCGGCTGAGGGCCAGCAGCAAAG[C>A]CGTCTTGGGAGACTCAGAGAGCGCAGAGTCAAGGCGGCGGCCGGGATGGGGGCCGTCCGA-3'
Protein context (NP_001182192.1, residues 409-429): DSALSESPKT[Ala419Ser]LLLALSRPRP

ClinVar aggregate classification (germline): Uncertain significance (1 of 4 stars; one submission).

Allele frequency attached by ClinVar (database versions not stated): TOPMed below 0.00001; gnomAD 0.00001.
gnomAD v4.1: 2 of 1,604,666 alleles (0.00012%); highest among the groups gnomAD compares: Non-Finnish European, 0.00017%; no homozygotes.

Submission:

Labcorp Genetics (formerly Invitae), Labcorp
Classification: Uncertain significance. Last evaluated: 2023-08-04. Review status: criteria provided, single submitter. Criteria: Invitae Variant Classification Sherloc (09022015). Collection method: clinical testing. Allele origin: germline.
Comment: ClinVar contains an entry for this variant (Variation ID: 1058885). In summary, the available evidence is currently insufficient to determine the role of this variant in disease. Therefore, it has been classified as a Variant of Uncertain Significance. Advanced modeling of protein sequence and biophysical properties (such as structural, functional, and spatial information, amino acid conservation, physicochemical variation, residue mobility, and thermodynamic stability) performed at Invitae indicates that this missense variant is not expected to disrupt PDZD7 protein function. This variant has not been reported in the literature in individuals affected with PDZD7-related conditions. This variant is not present in population databases (gnomAD no frequency). This sequence change replaces alanine, which is neutral and non-polar, with serine, which is neutral and polar, at codon 419 of the PDZD7 protein (p.Ala419Ser).